The following is an entry in ClinVar:

ClinVar aggregate classification (germline): Uncertain significance (1 of 4 stars; one submission).

Conditions:
Familial cancer of breast. Also called: BREAST CANCER, FAMILIAL; Hereditary breast cancer; hereditary breast carcinoma. Identifiers: Orphanet 227535, MedGen C0346153, MONDO:0016419, OMIM 114480. Disease mechanism: loss of function.

Allele frequency attached by ClinVar (database versions not stated): gnomAD exomes below 0.00001.
gnomAD v4.1: 1 of 1,614,050 alleles (0.000062%); highest among the groups gnomAD compares: Non-Finnish European, 0.000085%; no homozygotes.

Submission:

Labcorp Genetics (formerly Invitae), Labcorp
Classification: Uncertain significance for Familial cancer of breast. Last evaluated: 2023-10-16. Review status: criteria provided, single submitter. Criteria: Invitae Variant Classification Sherloc (09022015). Collection method: clinical testing. Allele origin: germline.
Comment: This sequence change replaces isoleucine, which is neutral and non-polar, with threonine, which is neutral and polar, at codon 1072 of the PALB2 protein (p.Ile1072Thr). This variant is not present in population databases (gnomAD no frequency). This variant has not been reported in the literature in individuals affected with PALB2-related conditions. ClinVar contains an entry for this variant (Variation ID: 1364301). An algorithm developed to predict the effect of missense changes on protein structure and function (PolyPhen-2) suggests that this variant is likely to be tolerated. In summary, the available evidence is currently insufficient to determine the role of this variant in disease. Therefore, it has been classified as a Variant of Uncertain Significance.

NM_024675.4(PALB2):c.3215T>C (p.Ile1072Thr)

Gene: PALB2 (partner and localizer of BRCA2; minus strand). Cytogenetic location: 16p12.2.
Variant type: single nucleotide variant.
Coding change: c.3215T>C on transcript NM_024675.4 (MANE Select); coding-DNA position 3215, T replaced by C.
Protein change: p.Ile1072Thr; replaces isoleucine 1072 with threonine.
Molecular consequence: missense variant.
Genome position (GRCh38, 1-based): chr16:23,607,999, A>G on the plus strand (T>C on the coding strand, the complement: PALB2 is on the minus strand). VCF-style: chr16-23607999-A-G. GRCh37 (hg19) VCF-style: chr16-23619320-A-G.
Other names: short protein forms I1072T.
Identifiers: ClinVar variation 1364301 (VCV001364301.9), dbSNP rs2142274254, ClinGen allele CA395140084.
Genomic context (GRCh38, chr16:23,607,999, plus strand): 5'-AGCTGAAACACAGGGCTTCGCAACGACTCACTCTCTTTGGCACAGGGATGACTCAGGACA[A>G]TAAAGAGAAGCCCCTAATTTCGGAGAAAAATAAATATCCCAAATAGACTGTCAAGAGTAT-3'
Protein context (NP_078951.2, residues 1062-1082): KAYSEMGLLF[Ile1072Thr]VLSHPCAKES